The following is an entry in ClinVar:

ClinVar aggregate classification (germline): Uncertain significance (1 of 4 stars; one submission).

gnomAD v4.1: 1 of 1,534,282 alleles (0.000065%); highest among the groups gnomAD compares: South Asian, 0.0012%; no homozygotes.

Submission:

Women's Health and Genetics/Laboratory Corporation of America, LabCorp
Classification: Uncertain significance. Last evaluated: 2025-02-21. Review status: criteria provided, single submitter. Criteria: LabCorp Variant Classification Summary - May 2015. Collection method: clinical testing. Allele origin: germline.
Comment: Variant summary: MAF c.386A>G (p.Asp129Gly) results in a non-conservative amino acid change in the encoded protein sequence. Three of five in-silico tools predict a damaging effect of the variant on protein function. The frequency data for this variant in gnomAD is considered unreliable, as metrics indicate poor data quality at this position. To our knowledge, no occurrence of c.386A>G in individuals affected with MAF-Related Disorders and no experimental evidence demonstrating its impact on protein function have been reported. No submitters have cited clinical-significance assessments for this variant to ClinVar. Based on the evidence outlined above, the variant was classified as uncertain significance.

NM_005360.5(MAF):c.386A>G (p.Asp129Gly)

Gene: MAF (MAF bZIP transcription factor; minus strand). Cytogenetic location: 16q23.2.
Variant type: single nucleotide variant.
Coding change: c.386A>G on transcript NM_005360.5 (MANE Select); coding-DNA position 386, A replaced by G.
Protein change: p.Asp129Gly; replaces aspartic acid 129 with glycine.
Molecular consequence: missense variant.
Genome position (GRCh38, 1-based): chr16:79,599,517, T>C on the plus strand (A>G on the coding strand, the complement: MAF is on the minus strand). VCF-style: chr16-79599517-T-C. GRCh37 (hg19) VCF-style: chr16-79633414-T-C.
Other names: c.386A>G, p.Asp129Gly (NM_001031804.3); short protein forms D129G.
Identifiers: ClinVar variation 3768883 (VCV003768883.1).